The following is an entry in ClinVar:

ClinVar aggregate classification (germline): Pathogenic (1 of 4 stars; one submission).

Submission:

Labcorp Genetics (formerly Invitae), Labcorp
Classification: Pathogenic. Last evaluated: 2024-02-02. Review status: criteria provided, single submitter. Criteria: Invitae Variant Classification Sherloc (09022015). Collection method: clinical testing. Allele origin: germline.
Comment: This sequence change creates a premature translational stop signal (p.Trp173*) in the PYROXD1 gene. It is expected to result in an absent or disrupted protein product. Loss-of-function variants in PYROXD1 are known to be pathogenic (PMID: 27745833). This variant is not present in population databases (gnomAD no frequency). This variant has not been reported in the literature in individuals affected with PYROXD1-related conditions. For these reasons, this variant has been classified as Pathogenic.

Literature cited by the submitters: PubMed 27745833.

NM_024854.5(PYROXD1):c.519G>A (p.Trp173Ter)

Gene: PYROXD1 (pyridine nucleotide-disulphide oxidoreductase domain 1; plus strand). Cytogenetic location: 12p12.1.
Variant type: single nucleotide variant.
Coding change: c.519G>A on transcript NM_024854.5 (MANE Select); coding-DNA position 519, G replaced by A.
Protein change: p.Trp173Ter; replaces tryptophan 173 with a stop codon.
Molecular consequence: nonsense. On other transcripts: 5 prime UTR variant (1).
Genome position (GRCh38, 1-based): chr12:21,455,162, G>A. VCF-style: chr12-21455162-G-A. GRCh37 (hg19) VCF-style: chr12-21608096-G-A.
Other names: c.306G>A, p.Trp102Ter (NM_001350912.2); c.-259G>A (NM_001350913.2); short protein forms W102*, W173*.
Identifiers: ClinVar variation 3680772 (VCV003680772.2).